The following is an entry in ClinVar:

ClinVar aggregate classification (germline): Uncertain significance (1 of 4 stars; one submission).

Allele frequency attached by ClinVar (database versions not stated): gnomAD exomes below 0.00001.

Submission:

Ambry Genetics
Classification: Uncertain significance. Last evaluated: 2024-03-03. Review status: criteria provided, single submitter. Criteria: Ambry Variant Classification Scheme 2023. Collection method: clinical testing. Allele origin: germline.
Comment: The p.V230I variant (also known as c.688G>A), located in coding exon 7 of the RAD54L gene, results from a G to A substitution at nucleotide position 688. The valine at codon 230 is replaced by isoleucine, an amino acid with highly similar properties. This amino acid position is conserved. In addition, the in silico prediction for this alteration is inconclusive. Based on the available evidence, the clinical significance of this alteration remains unclear.

NM_003579.4(RAD54L):c.688G>A (p.Val230Ile)

Gene: RAD54L (RAD54 like; plus strand). Cytogenetic location: 1p34.1.
Variant type: single nucleotide variant.
Coding change: c.688G>A on transcript NM_003579.4 (MANE Select); coding-DNA position 688, G replaced by A.
Protein change: p.Val230Ile; replaces valine 230 with isoleucine.
Molecular consequence: missense variant.
Genome position (GRCh38, 1-based): chr1:46,260,937, G>A. VCF-style: chr1-46260937-G-A. GRCh37 (hg19) VCF-style: chr1-46726609-G-A.
Other names: c.688G>A, p.Val230Ile (NM_001142548.2); c.148G>A, p.Val50Ile (NM_001370766.1); short protein forms V230I, V50I.
Identifiers: ClinVar variation 3223455 (VCV003223455.1), dbSNP rs771270089, ClinGen allele CA21906133.